The following is an entry in ClinVar:

ClinVar aggregate classification (germline): Uncertain significance (1 of 4 stars; one submission).

Allele frequency attached by ClinVar (database versions not stated): gnomAD exomes below 0.00001 and 0.00001; gnomAD 0.00001; TOPMed 0.00001.
gnomAD v4.1: 11 of 1,613,870 alleles (0.00068%); highest among the groups gnomAD compares: Non-Finnish European, 0.00093%; no homozygotes.

Submission:

GeneDx
Classification: Uncertain significance. Last evaluated: 2022-02-08. Review status: criteria provided, single submitter. Criteria: GeneDx Variant Classification Process June 2021. Collection method: clinical testing. Allele origin: germline. Affected: yes.
Comment: Not observed at significant frequency in large population cohorts (gnomAD); In silico analysis supports that this missense variant has a deleterious effect on protein structure/function; Has not been previously published as pathogenic or benign to our knowledge

NM_000875.5(IGF1R):c.817G>A (p.Gly273Ser)

Gene: IGF1R (insulin like growth factor 1 receptor; plus strand). Cytogenetic location: 15q26.3.
Variant type: single nucleotide variant.
Coding change: c.817G>A on transcript NM_000875.5 (MANE Select); coding-DNA position 817, G replaced by A.
Protein change: p.Gly273Ser; replaces glycine 273 with serine.
Molecular consequence: missense variant.
Genome position (GRCh38, 1-based): chr15:98,891,501, G>A. VCF-style: chr15-98891501-G-A. GRCh37 (hg19) VCF-style: chr15-99434730-G-A.
Other names: c.817G>A, p.Gly273Ser (NM_001291858.2); short protein forms G273S.
Identifiers: ClinVar variation 1341589 (VCV001341589.2), dbSNP rs1269644208, ClinGen allele CA393666019.